The following is an entry in ClinVar:

ClinVar aggregate classification (germline): Benign/Likely benign. Review status: criteria provided, multiple submitters, no conflicts (2 of 4 stars). 7 submissions from 7 submitters: Benign (1); Likely benign (5). 1 of the submissions does not count toward it. Last evaluated 2026-09-01.

Conditions:
Muscular dystrophy-dystroglycanopathy (congenital with brain and eye anomalies), type a, 11 (MDDGA11). Also called: WALKER-WARBURG SYNDROME OR MUSCLE-EYE-BRAIN DISEASE, B3GALNT2-RELATED; Muscular dystrophy-dystroglycanopathy (congenital with brain and eye anomalies, type A, 11; Congenital muscular dystrophy-dystroglycanopathy with brain and eye anomalies, type A11. Identifiers: Orphanet 588, Orphanet 899, MedGen C3554638, MONDO:0014071, OMIM 615181.
B3GALNT2-related disorder. Also called: B3GALNT2-related condition.

Allele frequency attached by ClinVar (database versions not stated): TOPMed 0.00020; gnomAD 0.00022 and 0.00026; ESP Exome Variant Server 0.00031; gnomAD exomes 0.00045; 1000 Genomes Project 30x 0.00047; ExAC 0.00055; 1000 Genomes Project 0.00060.
gnomAD v4.1: 665 of 1,614,180 alleles (0.041%); highest among the groups gnomAD compares: Middle Eastern, 0.25%; 5 homozygotes.

Submissions (7):

CeGaT Center for Human Genetics Tuebingen
Classification: Likely benign. Last evaluated: 2026-09-01. Review status: criteria provided, single submitter. Criteria: CeGaT Center For Human Genetics Tuebingen Variant Classification Criteria Version 2. Collection method: clinical testing. Allele origin: germline. Affected: yes. Observed: 4 variant alleles.
Comment: B3GALNT2: BP4, BP7

Labcorp Genetics (formerly Invitae), Labcorp
Classification: Benign for Muscular dystrophy-dystroglycanopathy (congenital with brain and eye anomalies), type a, 11. Last evaluated: 2026-01-22. Review status: criteria provided, single submitter. Criteria: Invitae Variant Classification Sherloc (09022015). Collection method: clinical testing. Allele origin: germline.

Mayo Clinic Laboratories, Mayo Clinic
Classification: Likely benign. Last evaluated: 2024-12-31. Review status: criteria provided, single submitter. Criteria: ACMG Guidelines, 2015. Collection method: clinical testing. Allele origin: germline. Observed: 2 variant alleles.
Comment: BS1, BP4, BP7

Blueprint Genetics
Classification: Likely benign. Last evaluated: 2024-11-19. Review status: criteria provided, single submitter. Criteria: ACMG Guidelines, 2015. Collection method: clinical testing. Allele origin: germline.

GeneDx
Classification: Likely benign. Last evaluated: 2020-03-18. Review status: criteria provided, single submitter. Criteria: GeneDx Variant Classification Process June 2021. Collection method: clinical testing. Allele origin: germline. Affected: yes.

Breakthrough Genomics
Classification: Likely benign. Review status: criteria provided, single submitter. Criteria: ACMG Guidelines, 2015. Collection method: not provided. Allele origin: germline. Inheritance: Autosomal recessive inheritance. Affected: yes.

PreventionGenetics, part of Exact Sciences
Classification: Likely benign for B3GALNT2-related condition. Last evaluated: 2024-08-14. Review status: no assertion criteria provided. Collection method: clinical testing. Allele origin: germline. Not counted in ClinVar's aggregate classification.
Comment: This variant is classified as likely benign based on ACMG/AMP sequence variant interpretation guidelines (Richards et al. 2015 PMID: 25741868, with internal and published modifications).

NM_152490.5(B3GALNT2):c.465C>T (p.Ile155=)

Gene: B3GALNT2 (beta-1,3-N-acetylgalactosaminyltransferase 2; minus strand). Cytogenetic location: 1q42.3.
Variant type: single nucleotide variant.
Coding change: c.465C>T on transcript NM_152490.5 (MANE Select); coding-DNA position 465, C replaced by T.
Protein change: p.Ile155=; no amino-acid change (isoleucine 155 retained).
Molecular consequence: synonymous variant.
Genome position (GRCh38, 1-based): chr1:235,484,412, G>A on the plus strand (C>T on the coding strand, the complement: B3GALNT2 is on the minus strand). VCF-style: chr1-235484412-G-A. GRCh37 (hg19) VCF-style: chr1-235647728-G-A.
Other names: p.Ile155=; c.588C>T, p.Ile196= (NM_001277155.3).
Identifiers: ClinVar variation 383257 (VCV000383257.38), dbSNP rs138058326, ClinGen allele CA1464900.